The following is an entry in ClinVar:

ClinVar aggregate classification (germline): Uncertain significance. Review status: criteria provided, multiple submitters, no conflicts (2 of 4 stars). 3 submissions from 3 submitters: Uncertain significance (3). Last evaluated 2026-01-09.

Conditions:
Inborn genetic diseases. Identifiers: MedGen C0950123, MeSH D030342.
PMM2-congenital disorder of glycosylation. Also called: CDG Ia; JAEKEN SYNDROME; PHOSPHOMANNOMUTASE 2 DEFICIENCY; CARBOHYDRATE-DEFICIENT GLYCOPROTEIN SYNDROME, TYPE Ia; PMM2-CDG; Congenital disorder of glycosylation, type Ia. Identifiers: Orphanet 79318, MedGen C0349653, MONDO:0008907, OMIM 212065.

Allele frequency attached by ClinVar (database versions not stated): ExAC 0.00005; TOPMed 0.00002.
gnomAD v4.1: 22 of 1,613,906 alleles (0.0014%); highest among the groups gnomAD compares: Admixed American, 0.035%; no homozygotes.

Submissions (3):

GeneDx
Classification: Uncertain significance. Last evaluated: 2026-01-09. Review status: criteria provided, single submitter. Criteria: GeneDx Variant Classification Process June 2021. Collection method: clinical testing. Allele origin: germline.
Comment: In silico analysis supports that this missense variant has a deleterious effect on protein structure/function; Has not been previously published as pathogenic or benign to our knowledge

Ambry Genetics
Classification: Uncertain significance for Inborn genetic diseases. Last evaluated: 2024-12-05. Review status: criteria provided, single submitter. Criteria: Ambry Variant Classification Scheme 2023. Collection method: clinical testing. Allele origin: germline.

Labcorp Genetics (formerly Invitae), Labcorp
Classification: Uncertain significance for PMM2-congenital disorder of glycosylation. Last evaluated: 2022-07-26. Review status: criteria provided, single submitter. Criteria: Invitae Variant Classification Sherloc (09022015). Collection method: clinical testing. Allele origin: germline.
Comment: This sequence change replaces aspartic acid, which is acidic and polar, with glutamic acid, which is acidic and polar, at codon 236 of the PMM2 protein (p.Asp236Glu). This variant is present in population databases (rs752495420, gnomAD 0.05%). This variant has not been reported in the literature in individuals affected with PMM2-related conditions. Algorithms developed to predict the effect of missense changes on protein structure and function (SIFT, PolyPhen-2, Align-GVGD) all suggest that this variant is likely to be tolerated. In summary, the available evidence is currently insufficient to determine the role of this variant in disease. Therefore, it has been classified as a Variant of Uncertain Significance.

NM_000303.3(PMM2):c.708C>G (p.Asp236Glu)

Gene: PMM2 (phosphomannomutase 2; plus strand). Cytogenetic location: 16p13.2.
Variant type: single nucleotide variant.
Coding change: c.708C>G on transcript NM_000303.3 (MANE Select); coding-DNA position 708, C replaced by G.
Protein change: p.Asp236Glu; replaces aspartic acid 236 with glutamic acid.
Molecular consequence: missense variant.
Genome position (GRCh38, 1-based): chr16:8,847,792, C>G. VCF-style: chr16-8847792-C-G. GRCh37 (hg19) VCF-style: chr16-8941649-C-G.
Other names: c.708C>G (NM_000303.2); short protein forms D236E.
Identifiers: ClinVar variation 2145452 (VCV002145452.4), dbSNP rs752495420, ClinGen allele CA7894211.